The following is an entry in ClinVar:

NM_000018.4(ACADVL):c.1532+7T>C

Gene: ACADVL (acyl-CoA dehydrogenase very long chain; plus strand). Cytogenetic location: 17p13.1.
Variant type: single nucleotide variant.
Coding change: c.1532+7T>C on transcript NM_000018.4 (MANE Select); 7 bases into the intron after coding-DNA position 1532, T replaced by C.
Molecular consequence: intron variant.
Genome position (GRCh38, 1-based): chr17:7,224,250, T>C. VCF-style: chr17-7224250-T-C. GRCh37 (hg19) VCF-style: chr17-7127569-T-C.
Other names: c.1601+7T>C (NM_001270447.2); c.1304+7T>C (NM_001270448.2); c.1466+7T>C (NM_001033859.3).
Identifiers: ClinVar variation 514392 (VCV000514392.13), dbSNP rs534469222, ClinGen allele CA8338141.

ClinVar aggregate classification (germline): Likely benign. Review status: reviewed by expert panel (3 of 4 stars). 4 submissions from 4 submitters: Likely benign (1). 3 of the submissions do not count toward it. Last evaluated 2025-12-09.

Conditions:
Very long chain acyl-CoA dehydrogenase deficiency (ACADVLD). Also called: Very Long-Chain Acyl-Coenzyme A Dehydrogenase Deficiency; VLCAD Deficiency. Identifiers: Orphanet 26793, MedGen C3887523, MONDO:0008723, OMIM 201475.

Allele frequency attached by ClinVar (database versions not stated): ExAC 0.00012; 1000 Genomes Project 30x 0.00062; TOPMed 0.00001; 1000 Genomes Project 0.00080; gnomAD 0.00003.
gnomAD v4.1: 73 of 1,613,736 alleles (0.0045%); highest among the groups gnomAD compares: South Asian, 0.076%; 1 homozygote.

Submissions (4):

ClinGen ACADVL Variant Curation Expert Panel, ClinGen
Classification: Likely benign for Very long chain acyl-CoA dehydrogenase deficiency. Last evaluated: 2025-12-09. Review status: reviewed by expert panel. Criteria: ClinGen ACADVL ACMG Specifications ACADVL V2.1. Collection method: curation. Allele origin: germline.
Comment: The c.1532+7T>C (NM_000018.4) variant in ACADVL is an intronic variant which occurs in intron 15 and is not predicted by SpliceAI to impact splicing (BP4, BP7). To our knowledge, this variant has not been reported in the literature in any individuals with very long chain acyl CoA dehydrogenase (VLCAD) deficiency. The highest population minor allele frequency in gnomAD v4.1.0 is 0.0007575 in the South Asian population, which is lower than the ClinGen ACADVL Variant Curation Expert Panel threshold (<0.001) for PM2_Supporting, however, this is not considered conflicting evidence with BP4 and BP7 (PM2_Supporting). In summary, this variant meets the criteria to be classified as likely benign for autosomal recessive VLCAD deficiency based on the ACMG/AMP criteria applied, as specified by the ClinGen ACADVL Variant Curation Expert Panel: BP4, BP7, PM2_Supporting (ACADVL VCEP specifications version 2.1.0; approved September 4, 2025).

Labcorp Genetics (formerly Invitae), Labcorp
Classification: Likely benign for Very long chain acyl-CoA dehydrogenase deficiency. Last evaluated: 2025-12-01. Review status: criteria provided, single submitter. Criteria: Invitae Variant Classification Sherloc (09022015). Collection method: clinical testing. Allele origin: germline. Not counted in ClinVar's aggregate classification.

GeneDx
Classification: Likely benign. Last evaluated: 2018-01-04. Review status: criteria provided, single submitter. Criteria: GeneDx Variant Classification (06012015). Collection method: clinical testing. Allele origin: germline. Affected: yes. Not counted in ClinVar's aggregate classification.
Comment: This variant is considered likely benign or benign based on one or more of the following criteria: it is a conservative change, it occurs at a poorly conserved position in the protein, it is predicted to be benign by multiple in silico algorithms, and/or has population frequency not consistent with disease.

Counsyl
Classification: Likely benign for Very long chain acyl-CoA dehydrogenase deficiency. Last evaluated: 2018-01-19. Review status: no assertion criteria provided. Collection method: clinical testing. Allele origin: unknown. Not counted in ClinVar's aggregate classification.